The following is an entry in ClinVar:

NM_001851.6(COL9A1):c.1143+48G>T

Gene: COL9A1 (collagen type IX alpha 1 chain; minus strand). Cytogenetic location: 6q13.
Variant type: single nucleotide variant.
Coding change: c.1143+48G>T on transcript NM_001851.6 (MANE Select); 48 bases into the intron after coding-DNA position 1143, G replaced by T.
Molecular consequence: intron variant.
Genome position (GRCh38, 1-based): chr6:70,271,607, C>A on the plus strand (G>T on the coding strand, the complement: COL9A1 is on the minus strand). VCF-style: chr6-70271607-C-A. GRCh37 (hg19) VCF-style: chr6-70981310-C-A.
Other names: c.414+48G>T (NM_001377290.1, NM_078485.4, NM_001377289.1).
Identifiers: ClinVar variation 672505 (VCV000672505.1), dbSNP rs559085408, ClinGen allele CA3882387.

ClinVar aggregate classification (germline): Likely benign (1 of 4 stars; one submission).

Allele frequency attached by ClinVar (database versions not stated): gnomAD 0.00001 and 0.00075; TOPMed 0.00015; gnomAD exomes 0.00151 and 0.00322; ExAC 0.00345; 1000 Genomes Project 30x 0.00484; 1000 Genomes Project 0.00519.
gnomAD v4.1: 2,268 of 1,566,334 alleles (0.14%); highest among the groups gnomAD compares: South Asian, 2.4%; 65 homozygotes.

Submission:

GeneDx
Classification: Likely benign. Last evaluated: 2018-06-14. Review status: criteria provided, single submitter. Criteria: GeneDx Variant Classification (06012015). Collection method: clinical testing. Allele origin: germline. Affected: yes.
Comment: This variant is considered likely benign or benign based on one or more of the following criteria: it is a conservative change, it occurs at a poorly conserved position in the protein, it is predicted to be benign by multiple in silico algorithms, and/or has population frequency not consistent with disease.